The following is an entry in ClinVar:

NM_001384732.1(CPLANE1):c.1371+4T>C

Gene: CPLANE1 (ciliogenesis and planar polarity effector complex subunit 1; minus strand). Cytogenetic location: 5p13.2.
Variant type: single nucleotide variant.
Coding change: c.1371+4T>C on transcript NM_001384732.1 (MANE Select); 4 bases into the intron after coding-DNA position 1371, T replaced by C.
Molecular consequence: intron variant.
Genome position (GRCh38, 1-based): chr5:37,227,564, A>G on the plus strand (T>C on the coding strand, the complement: CPLANE1 is on the minus strand). VCF-style: chr5-37227564-A-G. GRCh37 (hg19) VCF-style: chr5-37227666-A-G.
Other names: c.1371+4T>C (NM_023073.4).
Identifiers: ClinVar variation 1484728 (VCV001484728.6), dbSNP rs1000806661, ClinGen allele CA117058311.

ClinVar aggregate classification (germline): Uncertain significance (1 of 4 stars; one submission).

Allele frequency attached by ClinVar (database versions not stated): gnomAD exomes below 0.00001; TOPMed below 0.00001; gnomAD 0.00001.
gnomAD v4.1: 2 of 1,538,752 alleles (0.00013%); highest among the groups gnomAD compares: Admixed American, 0.0042%; no homozygotes.

Submission:

Labcorp Genetics (formerly Invitae), Labcorp
Classification: Uncertain significance. Last evaluated: 2022-06-05. Review status: criteria provided, single submitter. Criteria: Invitae Variant Classification Sherloc (09022015). Collection method: clinical testing. Allele origin: germline.
Comment: This sequence change falls in intron 10 of the CPLANE1 gene. It does not directly change the encoded amino acid sequence of the CPLANE1 protein. It affects a nucleotide within the consensus splice site. This variant is not present in population databases (gnomAD no frequency). This variant has not been reported in the literature in individuals affected with CPLANE1-related conditions. ClinVar contains an entry for this variant (Variation ID: 1484728). Variants that disrupt the consensus splice site are a relatively common cause of aberrant splicing (PMID: 17576681, 9536098). Algorithms developed to predict the effect of sequence changes on RNA splicing suggest that this variant is not likely to affect RNA splicing. In summary, the available evidence is currently insufficient to determine the role of this variant in disease. Therefore, it has been classified as a Variant of Uncertain Significance.

Literature cited by the submitters: PubMed 17576681; PubMed 9536098.